The following is an entry in ClinVar:

NM_003803.4(MYOM1):c.1442C>T (p.Thr481Ile)

Gene: MYOM1 (myomesin 1; minus strand). Cytogenetic location: 18p11.31.
Variant type: single nucleotide variant.
Coding change: c.1442C>T on transcript NM_003803.4 (MANE Select); coding-DNA position 1442, C replaced by T.
Protein change: p.Thr481Ile; replaces threonine 481 with isoleucine.
Molecular consequence: missense variant.
Genome position (GRCh38, 1-based): chr18:3,164,337, G>A on the plus strand (C>T on the coding strand, the complement: MYOM1 is on the minus strand). VCF-style: chr18-3164337-G-A. GRCh37 (hg19) VCF-style: chr18-3164335-G-A.
Other names: c.1442C>T, p.Thr481Ile (NM_019856.2); short protein forms T481I.
Identifiers: ClinVar variation 2058775 (VCV002058775.4), dbSNP rs370177143, ClinGen allele CA401714863.

ClinVar aggregate classification (germline): Uncertain significance (1 of 4 stars; one submission).

Conditions:
Hypertrophic cardiomyopathy. Also called: HYPERTROPHIC MYOCARDIOPATHY. Identifiers: Orphanet 217569, MedGen C0007194, MeSH D002312, MONDO:0005045, HP:0001639.

Submission:

Labcorp Genetics (formerly Invitae), Labcorp
Classification: Uncertain significance for Hypertrophic cardiomyopathy. Last evaluated: 2022-07-01. Review status: criteria provided, single submitter. Criteria: Invitae Variant Classification Sherloc (09022015). Collection method: clinical testing. Allele origin: germline.
Comment: In summary, the available evidence is currently insufficient to determine the role of this variant in disease. Therefore, it has been classified as a Variant of Uncertain Significance. Algorithms developed to predict the effect of missense changes on protein structure and function (SIFT, PolyPhen-2, Align-GVGD) all suggest that this variant is likely to be disruptive. This variant has not been reported in the literature in individuals affected with MYOM1-related conditions. This variant is not present in population databases (gnomAD no frequency). This sequence change replaces threonine, which is neutral and polar, with isoleucine, which is neutral and non-polar, at codon 481 of the MYOM1 protein (p.Thr481Ile).